The following is an entry in ClinVar:

NM_001267550.2(TTN):c.11311+1834C>T

Gene: TTN (titin; minus strand). Cytogenetic location: 2q31.2.
Variant type: single nucleotide variant.
Coding change: c.11311+1834C>T on transcript NM_001267550.2 (MANE Select); 1834 bases into the intron after coding-DNA position 11311, C replaced by T.
Molecular consequence: intron variant. On other transcripts: missense variant (1).
Genome position (GRCh38, 1-based): chr2:178,751,290, G>A on the plus strand (C>T on the coding strand, the complement: TTN is on the minus strand). VCF-style: chr2-178751290-G-A. GRCh37 (hg19) VCF-style: chr2-179616017-G-A.
Other names: c.11110C>T, p.Arg3704Cys (NM_133379.5); c.10222+1834C>T (NM_003319.4); c.10798+1834C>T (NM_133437.4); c.10597+1834C>T (NM_133432.3); c.10360+1834C>T (NM_133378.4, NM_001256850.1); short protein forms R3704C.
Identifiers: ClinVar variation 4985769 (VCV004985769.1).

ClinVar aggregate classification (germline): Uncertain significance (1 of 4 stars; one submission).

Conditions:
TTN-related disorder. Also called: TTN-related disorders; TTN-related condition; TTN-related disease.

gnomAD v4.1: 59 of 1,610,880 alleles (0.0037%); highest among the groups gnomAD compares: African/African-American, 0.0067%; no homozygotes.

Submission:

PreventionGenetics, part of Exact Sciences
Classification: Uncertain significance for TTN-related condition. Last evaluated: 2026-09-18. Review status: criteria provided, single submitter. Criteria: ACMG Guidelines, 2015. Collection method: clinical testing. Allele origin: germline.
Comment: The TTN c.11110C>T variant is predicted to result in the amino acid substitution p.Arg3704Cys. To our knowledge, this variant has not been reported in the literature. This variant is reported in 0.0045% of alleles in individuals of European (Non-Finnish) descent in gnomAD. At this time, the clinical significance of this variant is uncertain due to the absence of conclusive functional and genetic evidence.